The following is an entry in ClinVar:

NM_024072.4(DDX54):c.268AAG[6] (p.Lys94_Ser95insLys)

Gene: DDX54 (DEAD-box helicase 54; minus strand). Cytogenetic location: 12q24.13.
Variant type: Microsatellite.
Coding change: c.268AAG[6] on transcript NM_024072.4 (MANE Select); six copies in a row of the 3-base unit AAG starting at c.268; the reference has five copies in a row; one copy, 3 bases duplicated.
Protein change: p.Lys94_Ser95insLys.
Genome position (GRCh38, 1-based): chr12:113,180,951-113,180,953, CTT duplicated on the plus strand (AAG on the coding strand, the reverse complement: DDX54 is on the minus strand); duplicating any 3 consecutive bases within chr12:113,180,951-113,180,965 gives the same sequence; the position shown is the placement nearest the transcript's 3' end. VCF-style (leftmost placement, unchanged base first): chr12-113180950-A-ACTT. GRCh37 (hg19) VCF-style: chr12-113618755-A-ACTT.
Other names: c.268AAG[6], p.Lys94_Ser95insLys (NM_001111322.2).
Identifiers: ClinVar variation 3055824 (VCV003055824.2), dbSNP rs147593229, ClinGen allele CA6804092.

ClinVar aggregate classification (germline): Benign (0 of 4 stars; one submission).

Conditions:
DDX54-related disorder. Also called: DDX54-related condition.

Submission:

PreventionGenetics, part of Exact Sciences
Classification: Benign for DDX54-related condition. Last evaluated: 2019-10-31. Review status: no assertion criteria provided. Collection method: clinical testing. Allele origin: germline.
Comment: This variant is classified as benign based on ACMG/AMP sequence variant interpretation guidelines (Richards et al. 2015 PMID: 25741868, with internal and published modifications).